The following is an entry in ClinVar:

ClinVar aggregate classification (germline): Likely benign (1 of 4 stars; one submission).

Conditions:
PDE1C-related disorder. Also called: PDE1C-related condition.

Submission:

PreventionGenetics, part of Exact Sciences
Classification: Likely benign for PDE1C-related condition. Last evaluated: 2025-07-30. Review status: criteria provided, single submitter. Criteria: ACMG Guidelines, 2015. Collection method: clinical testing. Allele origin: germline.
Comment: This variant is classified as likely benign based on ACMG/AMP sequence variant interpretation guidelines (Richards et al. 2015 PMID: 25741868, with internal and published modifications).

NM_001322059.2(PDE1C):c.191A>T (p.Gln64Leu)

Gene: PDE1C (phosphodiesterase 1C; minus strand). Cytogenetic location: 7p14.3.
Variant type: single nucleotide variant.
Coding change: c.191A>T on transcript NM_001322059.2; coding-DNA position 191, A replaced by T.
Protein change: p.Gln64Leu; replaces glutamine 64 with leucine.
Molecular consequence: missense variant.
Genome position (GRCh38, 1-based): chr7:32,427,941, T>A on the plus strand (A>T on the coding strand, the complement: PDE1C is on the minus strand). VCF-style: chr7-32427941-T-A. GRCh37 (hg19) VCF-style: chr7-32467553-T-A.
Other names: short protein forms Q64L.
Identifiers: ClinVar variation 4985967 (VCV004985967.1).